The following is an entry in ClinVar:

NM_006082.3(TUBA1B):c.554A>G (p.Tyr185Cys)

Gene: TUBA1B (tubulin alpha 1b; minus strand). Cytogenetic location: 12q13.12.
Variant type: single nucleotide variant.
Coding change: c.554A>G on transcript NM_006082.3 (MANE Select); coding-DNA position 554, A replaced by G.
Protein change: p.Tyr185Cys; replaces tyrosine 185 with cysteine.
Molecular consequence: missense variant.
Genome position (GRCh38, 1-based): chr12:49,128,760, T>C on the plus strand (A>G on the coding strand, the complement: TUBA1B is on the minus strand). VCF-style: chr12-49128760-T-C. GRCh37 (hg19) VCF-style: chr12-49522543-T-C.
Other names: NM_006082.3:c.554A>G; short protein forms Y185C.
Identifiers: ClinVar variation 3061815 (VCV003061815.1), dbSNP rs2498792366, ClinGen allele CA384640360.

ClinVar aggregate classification (germline): Uncertain significance (1 of 4 stars; one submission).

Conditions:
Congenital fibrosis of extraocular muscles. Also called: Congenital Fibrosis of the Extraocular Muscles. Identifiers: Orphanet 45358, MedGen C1302995, MONDO:0007614, HP:0001491.

Submission:

Broad Center for Mendelian Genomics, Broad Institute of MIT and Harvard
Classification: Uncertain significance for Congenital fibrosis of extraocular muscles. Last evaluated: 2024-03-12. Review status: criteria provided, single submitter. Criteria: ACMG Guidelines, 2015. Collection method: curation. Allele origin: germline. Inheritance: Autosomal dominant inheritance.
Comment: Trio genome analysis showed this variant to be de novo. To our knowledge, the p.Tyr185Cys variant in TUBA1B has not been previously reported in individuals with Mendelian disease. This variant was absent from large population studies. Computational prediction tools and conservation analyses suggest that this variant may impact the protein, though this information is not predictive enough to determine pathogenicity. In summary, the clinical significance of the p.Tyr185Cys variant is uncertain. ACMG/AMP Criteria applied: PM2_Supporting, PP3 (Richards 2015).

Literature cited by the submitters: PubMed 39033378.